The following is an entry in ClinVar:

ClinVar aggregate classification (germline): Conflicting classifications of pathogenicity. Review status: criteria provided, conflicting classifications (1 of 4 stars). 6 submissions from 6 submitters: Uncertain significance (1); Benign (1); Likely benign (4). Last evaluated 2026-06-01.

Conditions:
Congenital Muscular Dystrophy, alpha-dystroglycan related.
Muscular dystrophy-dystroglycanopathy (congenital with brain and eye anomalies), type A, 7. Also called: Congenital muscular dystrophy-dystroglycanopathy with brain and eye anomalies, type A7; WALKER-WARBURG SYNDROME OR MUSCLE-EYE-BRAIN DISEASE, ISPD-RELATED. Identifiers: Orphanet 899, MedGen C3553330, MONDO:0013835, OMIM 614643.
Autosomal recessive limb-girdle muscular dystrophy type 2U. Also called: Muscular dystrophy-dystroglycanopathy (limb-girdle), type c, 7; MUSCULAR DYSTROPHY, LIMB-GIRDLE, TYPE 2U. Identifiers: Orphanet 352479, MedGen C5190987, MONDO:0014474, OMIM 616052.

Allele frequency attached by ClinVar (database versions not stated): ESP Exome Variant Server 0.00026; gnomAD exomes 0.00044 and 0.00019; ExAC 0.00061; 1000 Genomes Project 30x 0.00016; gnomAD 0.00019 and 0.00022; 1000 Genomes Project 0.00020; TOPMed 0.00022.
gnomAD v4.1: 329 of 1,586,306 alleles (0.021%); highest among the groups gnomAD compares: South Asian, 0.087%; 4 homozygotes.

Submissions (6):

CeGaT Center for Human Genetics Tuebingen
Classification: Likely benign. Last evaluated: 2026-06-01. Review status: criteria provided, single submitter. Criteria: CeGaT Center For Human Genetics Tuebingen Variant Classification Criteria Version 2. Collection method: clinical testing. Allele origin: germline. Affected: yes. Observed: 2 variant alleles.
Comment: CRPPA: BP4, BP7

Labcorp Genetics (formerly Invitae), Labcorp
Classification: Benign for Muscular dystrophy-dystroglycanopathy (congenital with brain and eye anomalies), type A, 7; Autosomal recessive limb-girdle muscular dystrophy type 2U. Last evaluated: 2026-01-28. Review status: criteria provided, single submitter. Criteria: Invitae Variant Classification Sherloc (09022015). Collection method: clinical testing. Allele origin: germline.

Blueprint Genetics
Classification: Likely benign. Last evaluated: 2024-04-18. Review status: criteria provided, single submitter. Criteria: ACMG Guidelines, 2015. Collection method: clinical testing. Allele origin: germline.

GeneDx
Classification: Likely benign. Last evaluated: 2019-03-18. Review status: criteria provided, single submitter. Criteria: GeneDx Variant Classification Process June 2021. Collection method: clinical testing. Allele origin: germline. Affected: yes.

Eurofins Ntd Llc (ga)
Classification: Likely benign. Last evaluated: 2018-03-14. Review status: criteria provided, single submitter. Criteria: EGL ClinVar v180209 classification definitions. Collection method: clinical testing. Allele origin: germline. Observed: 1 variant allele, 1 heterozygote.

Illumina Laboratory Services, Illumina
Classification: Uncertain significance for Congenital Muscular Dystrophy, alpha-dystroglycan related. Last evaluated: 2018-01-12. Review status: criteria provided, single submitter. Criteria: ICSL Variant Classification Criteria 13 December 2019. Collection method: clinical testing. Allele origin: germline.

NM_001101426.4(CRPPA):c.876A>G (p.Glu292=)

Gene: CRPPA (CDP-L-ribitol pyrophosphorylase A; minus strand). Cytogenetic location: 7p21.2.
Variant type: single nucleotide variant.
Coding change: c.876A>G on transcript NM_001101426.4 (MANE Select); coding-DNA position 876, A replaced by G.
Protein change: p.Glu292=; no amino-acid change (glutamic acid 292 retained).
Molecular consequence: synonymous variant. On other transcripts: non-coding transcript variant (1).
Genome position (GRCh38, 1-based): chr7:16,278,186, T>C on the plus strand (A>G on the coding strand, the complement: CRPPA is on the minus strand). VCF-style: chr7-16278186-T-C. GRCh37 (hg19) VCF-style: chr7-16317811-T-C.
Other names: c.726A>G, p.Glu242= (NM_001101417.4); c.771A>G, p.Glu257= (NM_001368197.1).
Identifiers: ClinVar variation 514247 (VCV000514247.55), dbSNP rs371300262, ClinGen allele CA4169461.